The following is an entry in ClinVar:

NM_001142864.4(PIEZO1):c.1447G>A (p.Val483Met)

Genes: HSALR1 (HSP90AB1 associated lncRNA 1; plus strand), PIEZO1 (piezo type mechanosensitive ion channel component 1 (Er blood group); minus strand). Cytogenetic location: 16q24.3.
Variant type: single nucleotide variant.
Coding change: c.1447G>A on transcript NM_001142864.4 (MANE Select); coding-DNA position 1447, G replaced by A.
Protein change: p.Val483Met; replaces valine 483 with methionine.
Molecular consequence: missense variant.
Genome position (GRCh38, 1-based): chr16:88,736,258, C>T on the plus strand (G>A on the coding strand, the complement: PIEZO1 is on the minus strand). VCF-style: chr16-88736258-C-T. GRCh37 (hg19) VCF-style: chr16-88802666-C-T.
Other names: short protein forms V483M.
Identifiers: ClinVar variation 812067 (VCV000812067.20), dbSNP rs747301309, ClinGen allele CA8233000.

ClinVar aggregate classification (germline): Conflicting classifications of pathogenicity. Review status: criteria provided, conflicting classifications (1 of 4 stars). 4 submissions from 4 submitters: Uncertain significance (2); Benign (1); Likely benign (1). Last evaluated 2025-10-03.

Allele frequency attached by ClinVar (database versions not stated): TOPMed 0.00006.
gnomAD v4.1: 273 of 1,549,994 alleles (0.018%); highest among the groups gnomAD compares: South Asian, 0.16%; 3 homozygotes.

Submissions (4):

Labcorp Genetics (formerly Invitae), Labcorp
Classification: Benign. Last evaluated: 2025-10-03. Review status: criteria provided, single submitter. Criteria: Invitae Variant Classification Sherloc (09022015). Collection method: clinical testing. Allele origin: germline.

CeGaT Center for Human Genetics Tuebingen
Classification: Likely benign. Last evaluated: 2025-10-01. Review status: criteria provided, single submitter. Criteria: CeGaT Center For Human Genetics Tuebingen Variant Classification Criteria Version 2. Collection method: clinical testing. Allele origin: germline. Affected: yes. Observed: 1 variant allele.
Comment: PIEZO1: BS2

ARUP Laboratories, Molecular Genetics and Genomics, ARUP Laboratories
Classification: Uncertain significance. Last evaluated: 2019-06-25. Review status: criteria provided, single submitter. Criteria: ARUP Molecular Germline Variant Investigation Process. Collection method: clinical testing. Allele origin: germline.

Breakthrough Genomics
Classification: Uncertain significance. Review status: criteria provided, single submitter. Criteria: ACMG Guidelines, 2015. Collection method: not provided. Allele origin: germline. Inheritance: Autosomal recessive inheritance. Affected: yes.